The following is an entry in ClinVar:

ClinVar aggregate classification (germline): Uncertain significance (1 of 4 stars; one submission).

Conditions:
Cardiovascular phenotype. Identifiers: MedGen CN230736.

Submission:

Ambry Genetics
Classification: Uncertain significance for Cardiovascular phenotype. Last evaluated: 2024-03-02. Review status: criteria provided, single submitter. Criteria: Ambry Variant Classification Scheme 2023. Collection method: clinical testing. Allele origin: germline.
Comment: The p.D445V variant (also known as c.1334A>T), located in coding exon 12 of the PRDM5 gene, results from an A to T substitution at nucleotide position 1334. The aspartic acid at codon 445 is replaced by valine, an amino acid with highly dissimilar properties. This amino acid position is conserved. In addition, the in silico prediction for this alteration is inconclusive. Based on the available evidence, the clinical significance of this alteration remains unclear.

NM_018699.4(PRDM5):c.1334A>T (p.Asp445Val)

Gene: PRDM5 (PR/SET domain 5; minus strand). Cytogenetic location: 4q27.
Variant type: single nucleotide variant.
Coding change: c.1334A>T on transcript NM_018699.4 (MANE Select); coding-DNA position 1334, A replaced by T.
Protein change: p.Asp445Val; replaces aspartic acid 445 with valine.
Molecular consequence: missense variant.
Genome position (GRCh38, 1-based): chr4:120,781,252, T>A on the plus strand (A>T on the coding strand, the complement: PRDM5 is on the minus strand). VCF-style: chr4-120781252-T-A. GRCh37 (hg19) VCF-style: chr4-121702407-T-A.
Other names: c.1241A>T, p.Asp414Val (NM_001300823.2, NM_001300824.2, NM_001379106.1); c.1367A>T, p.Asp456Val (NM_001379104.1); short protein forms D414V, D445V, D456V.
Identifiers: ClinVar variation 3227138 (VCV003227138.1), dbSNP rs2477152427, ClinGen allele CA358209073.